The following is an entry in ClinVar:

ClinVar aggregate classification (germline): Uncertain significance (1 of 4 stars; one submission).

Conditions:
Hypertrophic cardiomyopathy 1 (CMH1). Also called: MYH7-Related Familial Hypertrophic Cardiomyopathy; Familial hypertrophic cardiomyopathy 1. Identifiers: MedGen C3495498, MONDO:0008647, OMIM 192600.

Submission:

Labcorp Genetics (formerly Invitae), Labcorp
Classification: Uncertain significance for Hypertrophic cardiomyopathy 1. Last evaluated: 2024-07-19. Review status: criteria provided, single submitter. Criteria: Invitae Variant Classification Sherloc (09022015). Collection method: clinical testing. Allele origin: germline.
Comment: This sequence change affects a donor splice site in intron 6 of the MYLK2 gene. It is expected to disrupt RNA splicing. Variants that disrupt the donor or acceptor splice site typically lead to a loss of protein function (PMID: 16199547), however the current clinical and genetic evidence is not sufficient to establish whether loss-of-function variants in MYLK2 cause disease. This variant is not present in population databases (gnomAD no frequency). This variant has not been reported in the literature in individuals affected with MYLK2-related conditions. Algorithms developed to predict the effect of sequence changes on RNA splicing suggest that this variant may disrupt the consensus splice site. In summary, the available evidence is currently insufficient to determine the role of this variant in disease. Therefore, it has been classified as a Variant of Uncertain Significance.

Literature cited by the submitters: PubMed 16199547.

NM_033118.4(MYLK2):c.972+2T>C

Gene: MYLK2 (myosin light chain kinase 2; plus strand). Cytogenetic location: 20q11.21.
Variant type: single nucleotide variant.
Coding change: c.972+2T>C on transcript NM_033118.4 (MANE Select); the canonical splice donor site of the intron after coding-DNA position 972, T replaced by C.
Molecular consequence: splice donor variant.
Genome position (GRCh38, 1-based): chr20:31,824,354, T>C. VCF-style: chr20-31824354-T-C. GRCh37 (hg19) VCF-style: chr20-30412157-T-C.
Identifiers: ClinVar variation 3659850 (VCV003659850.2).